The following is an entry in ClinVar:

ClinVar aggregate classification (germline): Uncertain significance (1 of 4 stars; one submission).

Conditions:
Alstrom syndrome (ALMS). Identifiers: Orphanet 64, MedGen C0268425, MONDO:0008763, OMIM 203800.

Submission:

Labcorp Genetics (formerly Invitae), Labcorp
Classification: Uncertain significance for Alstrom syndrome. Last evaluated: 2024-02-24. Review status: criteria provided, single submitter. Criteria: Invitae Variant Classification Sherloc (09022015). Collection method: clinical testing. Allele origin: germline.
Comment: This variant, c.4113_4115dup, results in the insertion of 1 amino acid(s) of the ALMS1 protein (p.Thr1372dup), but otherwise preserves the integrity of the reading frame. This variant is not present in population databases (gnomAD no frequency). This variant has not been reported in the literature in individuals affected with ALMS1-related conditions. ClinVar contains an entry for this variant (Variation ID: 1515192). Experimental studies and prediction algorithms are not available or were not evaluated, and the functional significance of this variant is currently unknown. In summary, the available evidence is currently insufficient to determine the role of this variant in disease. Therefore, it has been classified as a Variant of Uncertain Significance.

NM_001378454.1(ALMS1):c.4110_4112dup (p.Thr1371dup)

Gene: ALMS1 (ALMS1 centrosome and basal body associated protein; plus strand). Cytogenetic location: 2p13.1.
Variant type: Duplication.
Coding change: c.4110_4112dup on transcript NM_001378454.1 (MANE Select); coding-DNA positions 4110 to 4112, 3 bases duplicated (AAC; older notation c.4110_4112dupAAC).
Protein change: p.Thr1371dup; duplicates threonine 1371.
Molecular consequence: inframe insertion.
Genome position (GRCh38, 1-based): chr2:73,450,637-73,450,639, AAC duplicated; duplicating any 3 consecutive bases within chr2:73,450,635-73,450,639 gives the same sequence; the c. name uses the placement nearest the transcript's 3' end. VCF-style (leftmost placement, unchanged base first): chr2-73450634-G-GACA. GRCh37 (hg19) VCF-style: chr2-73677761-G-GACA.
Other names: c.4113_4115dup, p.Thr1372dup (NM_015120.4).
Identifiers: ClinVar variation 1515192 (VCV001515192.7), dbSNP rs1448848361, ClinGen allele CA892812127.